The following is an entry in ClinVar:

ClinVar aggregate classification (germline): Uncertain significance (1 of 4 stars; one submission).

Allele frequency attached by ClinVar (database versions not stated): gnomAD exomes 0.00001.

Submission:

Ambry Genetics
Classification: Uncertain significance. Last evaluated: 2024-10-18. Review status: criteria provided, single submitter. Criteria: Ambry Variant Classification Scheme 2023. Collection method: clinical testing. Allele origin: germline.
Comment: The p.G1280D variant (also known as c.3839G>A), located in coding exon 16 of the POLQ gene, results from a G to A substitution at nucleotide position 3839. The glycine at codon 1280 is replaced by aspartic acid, an amino acid with similar properties. This amino acid position is conserved. In addition, this alteration is predicted to be tolerated by in silico analysis. Since supporting evidence is limited at this time, the clinical significance of this alteration remains unclear.

NM_199420.4(POLQ):c.3839G>A (p.Gly1280Asp)

Gene: POLQ (DNA polymerase theta; minus strand). Cytogenetic location: 3q13.33.
Variant type: single nucleotide variant.
Coding change: c.3839G>A on transcript NM_199420.4 (MANE Select); coding-DNA position 3839, G replaced by A.
Protein change: p.Gly1280Asp; replaces glycine 1280 with aspartic acid.
Molecular consequence: missense variant.
Genome position (GRCh38, 1-based): chr3:121,489,092, C>T on the plus strand (G>A on the coding strand, the complement: POLQ is on the minus strand). VCF-style: chr3-121489092-C-T. GRCh37 (hg19) VCF-style: chr3-121207939-C-T.
Other names: short protein forms G1280D.
Identifiers: ClinVar variation 1735402 (VCV001735402.3), dbSNP rs2048040472, ClinGen allele CA354096976.